The following is an entry in ClinVar:

NM_000384.3(APOB):c.3490A>G (p.Arg1164Gly)

Gene: APOB (apolipoprotein B; minus strand). Cytogenetic location: 2p24.1.
Variant type: single nucleotide variant.
Coding change: c.3490A>G on transcript NM_000384.3 (MANE Select); coding-DNA position 3490, A replaced by G.
Protein change: p.Arg1164Gly; replaces arginine 1164 with glycine.
Molecular consequence: missense variant.
Genome position (GRCh38, 1-based): chr2:21,015,388, T>C on the plus strand (A>G on the coding strand, the complement: APOB is on the minus strand). VCF-style: chr2-21015388-T-C. GRCh37 (hg19) VCF-style: chr2-21238260-T-C.
Other names: short protein forms R1164G.
Identifiers: ClinVar variation 431495 (VCV000431495.24), dbSNP rs149660265, ClinGen allele CA058933.
Genomic context (GRCh38, chr2:21,015,388, plus strand): 5'-GCATTACTTTGGAAGTGCTCACACAGGGGAAGAGACACATACCATAATGCCATGCCACCC[T>C]CTTGGAAACTGTGGAGCCATAAGCTGTAGCAGATGAGTCCATTTGGAGAAGCAGTTTGGC-3'
Protein context (NP_000375.3, residues 1154-1174): ATAYGSTVSK[Arg1164Gly]VAWHYDEEKI

ClinVar aggregate classification (germline): Conflicting classifications of pathogenicity. Review status: criteria provided, conflicting classifications (1 of 4 stars). 7 submissions from 7 submitters: Uncertain significance (3); Likely benign (3). 1 of the submissions does not count toward it. Last evaluated 2026-09-21.

Conditions:
Familial hypobetalipoproteinemia 1. Also called: APOB-Related Familial Hypobetalipoproteinemia; Hypobetalipoproteinemia, normotriglyceridemic; Acanthocytosis with hypobetalipoproteinemia. Identifiers: MedGen C4551990, MONDO:0014252, OMIM 615558.
Hypercholesterolemia, autosomal dominant, type B (FHCL2). Also called: APOB-Related Familial Hypercholesterolemia, Autosomal Dominant; Familial Hypercholesterolemia Type B; APOLIPOPROTEIN B-100, FAMILIAL DEFECTIVE; APOLIPOPROTEIN B-100, FAMILIAL LIGAND-DEFECTIVE; Hyperlipoproteinemia Type IIb; HYPERCHOLESTEROLEMIA, FAMILIAL, DUE TO LIGAND-DEFECTIVE APOLIPOPROTEIN B. Identifiers: MedGen C1704417, MONDO:0007751, OMIM 144010.
Hypercholesterolemia, familial, 1. Also called: LDL RECEPTOR DISORDER; Hyperlipoproteinemia Type IIa; HYPER-LOW-DENSITY-LIPOPROTEINEMIA; HYPERCHOLESTEROLEMIC XANTHOMATOSIS, FAMILIAL; Fredrickson type IIa hyperlipoproteinemia; Hyperlipoproteinemia type 2. Identifiers: Orphanet 391665, MedGen C0745103, MONDO:0007750, OMIM 143890.
Cardiovascular phenotype. Identifiers: MedGen CN230736.

Allele frequency attached by ClinVar (database versions not stated): TOPMed 0.00007; gnomAD 0.00007; ESP Exome Variant Server 0.00031; 1000 Genomes Project 30x 0.00016; 1000 Genomes Project 0.00020.
gnomAD v4.1: 47 of 1,614,194 alleles (0.0029%); highest among the groups gnomAD compares: Middle Eastern, 0.16%; no homozygotes.

Submissions (7):

Molecular Diagnostic Laboratory for Inherited Cardiovascular Disease, Montreal Heart Institute
Classification: Likely benign. Last evaluated: 2026-09-21. Review status: criteria provided, single submitter. Criteria: ACMG Guidelines, 2015. Collection method: clinical testing. Allele origin: germline. Affected: no.
Comment: BS1, BP4

Labcorp Genetics (formerly Invitae), Labcorp
Classification: Likely benign for Familial hypobetalipoproteinemia 1; Hypercholesterolemia, autosomal dominant, type B. Last evaluated: 2026-01-31. Review status: criteria provided, single submitter. Criteria: Invitae Variant Classification Sherloc (09022015). Collection method: clinical testing. Allele origin: germline.

Greenwood Genetic Center Diagnostic Laboratories, Greenwood Genetic Center
Classification: Uncertain significance. Last evaluated: 2025-01-23. Review status: criteria provided, single submitter. Criteria: ACMG Guidelines, 2015. Collection method: clinical testing. Allele origin: germline.
Comment: PM5_Supporting, PP3

Ambry Genetics
Classification: Likely benign for Cardiovascular phenotype. Last evaluated: 2024-07-31. Review status: criteria provided, single submitter. Criteria: Ambry Variant Classification Scheme 2023. Collection method: clinical testing. Allele origin: germline.

GeneDx
Classification: Uncertain significance. Last evaluated: 2021-10-28. Review status: criteria provided, single submitter. Criteria: GeneDx Variant Classification Process June 2021. Collection method: clinical testing. Allele origin: germline. Affected: yes.
Comment: In silico analysis supports that this missense variant has a deleterious effect on protein structure/function; Reported in a cohort of individuals with nonalcoholic fatty liver disease/hepatocellular carcinoma and detailed clinical information was not provided (Pelusi et al., 2019); Also known as R1137G; This variant is associated with the following publications: (PMID: 30842500)

Laboratory of Genetics and Molecular Cardiology, University of São Paulo
Classification: Uncertain significance for Familial hypercholesterolemia. Last evaluated: 2016-03-01. Review status: criteria provided, single submitter. Criteria: ACMG Guidelines, 2015. Collection method: research. Allele origin: germline. Study: HipercolBrasil.

Metabolic Liver Diseases Lab, Fondazione IRCCS Ca Granda Policlinico, University of Milan
Classification: Likely pathogenic for Familial hypobetalipoproteinemia 1. Last evaluated: 2018-12-01. Review status: no assertion criteria provided. Collection method: case-control. Allele origin: germline. Affected: yes. Observed: 1 variant allele. Not counted in ClinVar's aggregate classification.

Literature cited by the submitters: PubMed 31570899 (cited by Ambry Genetics); PubMed 35047021 (cited by Ambry Genetics); PubMed 30842500 (cited by Metabolic Liver Diseases Lab, Fondazione IRCCS Ca Granda Policlinico, University of Milan).